The following is an entry in ClinVar:

ClinVar aggregate classification (germline): Uncertain significance (1 of 4 stars; one submission).

Allele frequency attached by ClinVar (database versions not stated): gnomAD exomes below 0.00001.
gnomAD v4.1: 2 of 1,613,116 alleles (0.00012%); highest among the groups gnomAD compares: East Asian, 0.0022%; no homozygotes.

Submission:

Labcorp Genetics (formerly Invitae), Labcorp
Classification: Uncertain significance. Last evaluated: 2022-04-18. Review status: criteria provided, single submitter. Criteria: Invitae Variant Classification Sherloc (09022015). Collection method: clinical testing. Allele origin: germline.
Comment: In summary, the available evidence is currently insufficient to determine the role of this variant in disease. Therefore, it has been classified as a Variant of Uncertain Significance. Algorithms developed to predict the effect of missense changes on protein structure and function (SIFT, PolyPhen-2, Align-GVGD) all suggest that this variant is likely to be tolerated. This variant has not been reported in the literature in individuals affected with TNFAIP3-related conditions. This variant is not present in population databases (gnomAD no frequency). This sequence change replaces histidine, which is basic and polar, with arginine, which is basic and polar, at codon 319 of the TNFAIP3 protein (p.His319Arg).

NM_001270508.2(TNFAIP3):c.956A>G (p.His319Arg)

Gene: TNFAIP3 (TNF alpha induced protein 3; plus strand). Cytogenetic location: 6q23.3.
Variant type: single nucleotide variant.
Coding change: c.956A>G on transcript NM_001270508.2 (MANE Select); coding-DNA position 956, A replaced by G.
Protein change: p.His319Arg; replaces histidine 319 with arginine.
Molecular consequence: missense variant.
Genome position (GRCh38, 1-based): chr6:137,877,226, A>G. VCF-style: chr6-137877226-A-G. GRCh37 (hg19) VCF-style: chr6-138198363-A-G.
Other names: c.956A>G, p.His319Arg (NM_001270507.2, NM_006290.4); short protein forms H319R.
Identifiers: ClinVar variation 1347861 (VCV001347861.8), dbSNP rs2114490939, ClinGen allele CA365787697.